The following is an entry in ClinVar:

NM_001034852.3(SMOC1):c.21C>T (p.Ala7=)

Gene: SMOC1 (SPARC related modular calcium binding 1; plus strand). Cytogenetic location: 14q24.2.
Variant type: single nucleotide variant.
Coding change: c.21C>T on transcript NM_001034852.3 (MANE Select); coding-DNA position 21, C replaced by T.
Protein change: p.Ala7=; no amino-acid change (alanine 7 retained).
Molecular consequence: synonymous variant.
Genome position (GRCh38, 1-based): chr14:69,879,699, C>T. VCF-style: chr14-69879699-C-T. GRCh37 (hg19) VCF-style: chr14-70346416-C-T.
Other names: c.21C>T, p.Ala7= (NM_022137.6).
Identifiers: ClinVar variation 778483 (VCV000778483.34), dbSNP rs138862255, ClinGen allele CA7246328.
Genomic context (GRCh38, chr14:69,879,699, plus strand): 5'-GAACCCCGCTCGCTGCCGGCTGCCCAGCCTGGCTGGCACCATGCTGCCCGCGCGCTGCGC[C>T]CGCCTGCTCACGCCCCACTTGCTGCTGGTGTTGGTGCAGCTGTCCCCTGCTCGCGGCCAC-3'
Protein context (NP_001030024.1, residues 1-17): MLPARC[Ala7=]RLLTPHLLLV

ClinVar aggregate classification (germline): Benign/Likely benign. Review status: criteria provided, multiple submitters, no conflicts (2 of 4 stars). 3 submissions from 3 submitters: Benign (2); Likely benign (1). Last evaluated 2026-01-19.

Allele frequency attached by ClinVar (database versions not stated): TOPMed 0.00083; 1000 Genomes Project 30x 0.00094; ESP Exome Variant Server 0.00095; 1000 Genomes Project 0.00100; gnomAD exomes 0.00123 and 0.00176; ExAC 0.00282; gnomAD 0.00125 and 0.00127.
gnomAD v4.1: 2,668 of 1,578,372 alleles (0.17%); highest among the groups gnomAD compares: Non-Finnish European, 0.19%; 3 homozygotes.

Submissions (3):

Labcorp Genetics (formerly Invitae), Labcorp
Classification: Benign. Last evaluated: 2026-01-19. Review status: criteria provided, single submitter. Criteria: Invitae Variant Classification Sherloc (09022015). Collection method: clinical testing. Allele origin: germline.

CeGaT Center for Human Genetics Tuebingen
Classification: Likely benign. Last evaluated: 2023-11-01. Review status: criteria provided, single submitter. Criteria: CeGaT Center For Human Genetics Tuebingen Variant Classification Criteria Version 2. Collection method: clinical testing. Allele origin: germline. Affected: yes. Observed: 2 variant alleles.
Comment: SMOC1: BP4, BP7

Breakthrough Genomics
Classification: Benign. Review status: criteria provided, single submitter. Criteria: ACMG Guidelines, 2015. Collection method: not provided. Allele origin: germline. Inheritance: Autosomal recessive inheritance. Affected: yes.